The following is an entry in ClinVar:

NM_006517.5(SLC16A2):c.2T>G (p.Met1Arg)

Gene: SLC16A2 (solute carrier family 16 member 2; plus strand). Cytogenetic location: Xq13.2.
Variant type: single nucleotide variant.
Coding change: c.2T>G on transcript NM_006517.5 (MANE Select); coding-DNA position 2, T replaced by G.
Protein change: p.Met1Arg; changes the start codon (methionine 1).
Molecular consequence: missense variant, initiator codon variant.
Genome position (GRCh38, 1-based): chrX:74,421,639, T>G. VCF-style: chrX-74421639-T-G. GRCh37 (hg19) VCF-style: chrX-73641474-T-G.
Other names: short protein forms M1R.
Identifiers: ClinVar variation 2024767 (VCV002024767.5), dbSNP rs2519759046, ClinGen allele CA413655554.

ClinVar aggregate classification (germline): Pathogenic (1 of 4 stars; one submission).

Conditions:
Spastic paraplegia. Identifiers: MedGen C0037772, HP:0001258.

Submission:

Labcorp Genetics (formerly Invitae), Labcorp
Classification: Pathogenic for Spastic paraplegia. Last evaluated: 2022-08-19. Review status: criteria provided, single submitter. Criteria: Invitae Variant Classification Sherloc (09022015). Collection method: clinical testing. Allele origin: germline.
Comment: This sequence change affects the initiator methionine of the SLC16A2 mRNA. The next in-frame methionine is located at codon 127. This variant is not present in population databases (gnomAD no frequency). This variant has not been reported in the literature in individuals affected with SLC16A2-related conditions. This variant disrupts a region of the SLC16A2 protein in which other variant(s) (p.Ser120Phe, also known as p.Ser194Phe) have been determined to be pathogenic (PMID: 15889350, 25527620, 27977298). This suggests that this is a clinically significant region of the protein, and that variants that disrupt it are likely to be disease-causing. For these reasons, this variant has been classified as Pathogenic.

Literature cited by the submitters: PubMed 15889350; PubMed 25527620; PubMed 27977298.